The following is an entry in ClinVar:

NM_002661.5(PLCG2):c.1301C>T (p.Thr434Met)

Gene: PLCG2 (phospholipase C gamma 2; plus strand). Cytogenetic location: 16q23.3.
Variant type: single nucleotide variant.
Coding change: c.1301C>T on transcript NM_002661.5 (MANE Select); coding-DNA position 1301, C replaced by T.
Protein change: p.Thr434Met; replaces threonine 434 with methionine.
Molecular consequence: missense variant.
Genome position (GRCh38, 1-based): chr16:81,900,719, C>T. VCF-style: chr16-81900719-C-T. GRCh37 (hg19) VCF-style: chr16-81934324-C-T.
Other names: short protein forms T434M.
Identifiers: ClinVar variation 665557 (VCV000665557.10), dbSNP rs757785924, ClinGen allele CA396899426.

ClinVar aggregate classification (germline): Uncertain significance. Review status: criteria provided, multiple submitters, no conflicts (2 of 4 stars). 4 submissions from 4 submitters: Uncertain significance (4). Last evaluated 2025-12-03.

Conditions:
Familial cold autoinflammatory syndrome 3 (FCAS3). Also called: FAMILIAL ATYPICAL COLD URTICARIA; ANTIBODY DEFICIENCY AND IMMUNE DYSREGULATION, PLCG2-ASSOCIATED. Identifiers: Orphanet 300359, MedGen C3280914, MONDO:0013766, OMIM 614468.
Autoinflammation-PLCG2-associated antibody deficiency-immune dysregulation. Also called: Autoinflammation, antibody deficiency, and immune dysregulation, plcg2-associated; AUTOINFLAMMATION, ANTIBODY DEFICIENCY, AND IMMUNE DYSREGULATION; Autoinflammation, antibody deficiency, and immune dysregulation syndrome. Identifiers: Orphanet 324530, MedGen C3553961, MONDO:0013944, OMIM 614878.

Allele frequency attached by ClinVar (database versions not stated): gnomAD 0.00001; TOPMed 0.00002.
gnomAD v4.1: 33 of 1,613,212 alleles (0.002%); highest among the groups gnomAD compares: Admixed American, 0.0033%; no homozygotes.

Submissions (4):

Labcorp Genetics (formerly Invitae), Labcorp
Classification: Uncertain significance for Familial cold autoinflammatory syndrome 3. Last evaluated: 2025-12-03. Review status: criteria provided, single submitter. Criteria: Invitae Variant Classification Sherloc (09022015). Collection method: clinical testing. Allele origin: germline.
Comment: This sequence change replaces threonine, which is neutral and polar, with methionine, which is neutral and non-polar, at codon 434 of the PLCG2 protein (p.Thr434Met). This variant is present in population databases (no rsID available, gnomAD 0.004%). This variant has not been reported in the literature in individuals affected with PLCG2-related conditions. ClinVar contains an entry for this variant (Variation ID: 665557). An algorithm developed to predict the effect of missense changes on protein structure and function (PolyPhen-2) suggests that this variant is likely to be disruptive. In summary, the available evidence is currently insufficient to determine the role of this variant in disease. Therefore, it has been classified as a Variant of Uncertain Significance.

Women's Health and Genetics/Laboratory Corporation of America, LabCorp
Classification: Uncertain significance. Last evaluated: 2025-06-05. Review status: criteria provided, single submitter. Criteria: LabCorp Variant Classification Summary - May 2015. Collection method: clinical testing. Allele origin: germline.
Comment: Variant summary: PLCG2 c.1301C>T (p.Thr434Met) results in a non-conservative amino acid change in the encoded protein sequence. Algorithms developed to predict the effect of missense changes on protein structure and function are either unavailable or do not agree on the potential impact of this missense change. The variant allele was found at a frequency of 2.8e-05 in 249254 control chromosomes. The available data on variant occurrences in the general population are insufficient to allow any conclusion about variant significance. To our knowledge, no occurrence of c.1301C>T in individuals affected with Autoinflammation-PLCG2-associated antibody deficiency-immune dysregulation and no experimental evidence demonstrating its impact on protein function have been reported. ClinVar contains an entry for this variant (Variation ID: 665557). Based on the evidence outlined above, the variant was classified as uncertain significance.

Blueprint Genetics
Classification: Uncertain significance. Last evaluated: 2023-08-11. Review status: criteria provided, single submitter. Criteria: ACMG Guidelines, 2015. Collection method: clinical testing. Allele origin: germline.

Fulgent Genetics
Classification: Uncertain significance for Familial cold autoinflammatory syndrome 3; Autoinflammation-PLCG2-associated antibody deficiency-immune dysregulation. Last evaluated: 2021-10-27. Review status: criteria provided, single submitter. Criteria: ACMG Guidelines, 2015. Collection method: clinical testing. Allele origin: unknown.